The following is an entry in ClinVar:

NM_014055.4(IFT81):c.945+3_945+4del

Gene: IFT81 (intraflagellar transport 81; plus strand). Cytogenetic location: 12q24.11.
Variant type: Deletion.
Coding change: c.945+3_945+4del on transcript NM_014055.4 (MANE Select); bases 3 to 4 of the intron after coding-DNA position 945, 2 bases deleted (AA; older notation c.945+3_945+4delAA).
Molecular consequence: intron variant.
Genome position (GRCh38, 1-based): chr12:110,143,548-110,143,549, AA deleted. VCF-style (leftmost placement, unchanged base first): chr12-110143547-TAA-T. GRCh37 (hg19) VCF-style: chr12-110581352-TAA-T.
Other names: c.16-3405_16-3404del (NM_001347948.2, NM_001347947.2); c.945+3_945+4del (NM_001143779.2, NM_031473.4, NM_001347946.2).
Identifiers: ClinVar variation 1487702 (VCV001487702.3), dbSNP rs761083847, ClinGen allele CA6783216.

ClinVar aggregate classification (germline): Uncertain significance (1 of 4 stars; one submission).

Allele frequency attached by ClinVar (database versions not stated): gnomAD 0.00003 and 0.00004; gnomAD exomes 0.00003 and 0.00009; TOPMed 0.00003; ExAC 0.00008.

Submission:

Labcorp Genetics (formerly Invitae), Labcorp
Classification: Uncertain significance. Last evaluated: 2021-11-19. Review status: criteria provided, single submitter. Criteria: Invitae Variant Classification Sherloc (09022015). Collection method: clinical testing. Allele origin: germline.
Comment: This sequence change falls in intron 9 of the IFT81 gene. It does not directly change the encoded amino acid sequence of the IFT81 protein. It affects a nucleotide within the consensus splice site. This variant is present in population databases (rs761083847, gnomAD 0.2%). This variant has not been reported in the literature in individuals affected with IFT81-related conditions. Variants that disrupt the consensus splice site are a relatively common cause of aberrant splicing (PMID: 17576681, 9536098). Algorithms developed to predict the effect of sequence changes on RNA splicing suggest that this variant may disrupt the consensus splice site. In summary, the available evidence is currently insufficient to determine the role of this variant in disease. Therefore, it has been classified as a Variant of Uncertain Significance.

Literature cited by the submitters: PubMed 17576681; PubMed 9536098.